The following is an entry in ClinVar:

NM_017697.4(ESRP1):c.1158G>A (p.Ala386=)

Gene: ESRP1 (epithelial splicing regulatory protein 1; plus strand). Cytogenetic location: 8q22.1.
Variant type: single nucleotide variant.
Coding change: c.1158G>A on transcript NM_017697.4 (MANE Select); coding-DNA position 1158, G replaced by A.
Protein change: p.Ala386=; no amino-acid change (alanine 386 retained).
Molecular consequence: synonymous variant.
Genome position (GRCh38, 1-based): chr8:94,668,175, G>A. VCF-style: chr8-94668175-G-A. GRCh37 (hg19) VCF-style: chr8-95680403-G-A.
Other names: c.1158G>A, p.Ala386= (NM_001034915.3, NM_001122825.2, NM_001122826.2 and 1 more transcripts).
Identifiers: ClinVar variation 3044555 (VCV003044555.2), dbSNP rs199645269, ClinGen allele CA4812208.
Genomic context (GRCh38, chr8:94,668,175, plus strand): 5'-TGGTAGGCCAACAGGGGACGCTTTTGTCCTCTTTGCCTGTGAGGAATATGCACAGAATGC[G>A]TTGAGGAAGCATAAAGACTTGTTGGGTAAAAGATACATTGAACTCTTCAGGAGCACAGCA-3'
Protein context (NP_060167.2, residues 376-396): LFACEEYAQN[Ala386=]LRKHKDLLGK

ClinVar aggregate classification (germline): Likely benign (0 of 4 stars; one submission).

Conditions:
ESRP1-related disorder. Also called: ESRP1-related condition.

Allele frequency attached by ClinVar (database versions not stated): ExAC 0.00059; 1000 Genomes Project 0.00060; 1000 Genomes Project 30x 0.00062; ESP Exome Variant Server 0.00081; gnomAD 0.00085; TOPMed 0.00098; gnomAD exomes 0.00141.
gnomAD v4.1: 2,188 of 1,613,916 alleles (0.14%); highest among the groups gnomAD compares: Non-Finnish European, 0.17%; 3 homozygotes.

Submission:

PreventionGenetics, part of Exact Sciences
Classification: Likely benign for ESRP1-related condition. Last evaluated: 2019-05-31. Review status: no assertion criteria provided. Collection method: clinical testing. Allele origin: germline.
Comment: This variant is classified as likely benign based on ACMG/AMP sequence variant interpretation guidelines (Richards et al. 2015 PMID: 25741868, with internal and published modifications).